The following is an entry in ClinVar:

ClinVar aggregate classification (germline): Benign. Review status: criteria provided, multiple submitters, no conflicts (2 of 4 stars). 9 submissions from 9 submitters: Benign (7). 2 of the submissions do not count toward it. Last evaluated 2026-02-04.

Conditions:
Pontoneocerebellar hypoplasia. Also called: Non-syndromic pontocerebellar hypoplasia; Pontocerebellar hypoplasia. Identifiers: Orphanet 98523, MedGen C1261175, MONDO:0020135.

Allele frequency attached by ClinVar (database versions not stated): gnomAD exomes 0.12910 and 0.13418; 1000 Genomes Project 0.16314; 1000 Genomes Project 30x 0.16896; gnomAD 0.18634 and 0.19227; TOPMed 0.19201; ESP Exome Variant Server 0.19344; ExAC 0.20109.
gnomAD v4.1: 221,615 of 1,592,506 alleles (14%); highest among the groups gnomAD compares: African/African-American, 34%; 17,672 homozygotes.

Submissions (9):

Labcorp Genetics (formerly Invitae), Labcorp
Classification: Benign. Last evaluated: 2026-02-04. Review status: criteria provided, single submitter. Criteria: Invitae Variant Classification Sherloc (09022015). Collection method: clinical testing. Allele origin: germline.

Illumina Laboratory Services, Illumina
Classification: Benign for Pontoneocerebellar hypoplasia. Last evaluated: 2018-01-12. Review status: criteria provided, single submitter. Criteria: ICSL Variant Classification Criteria 13 December 2019. Collection method: clinical testing. Allele origin: germline.
Comment: This variant was observed in the ICSL laboratory as part of a predisposition screen in an ostensibly healthy population. It had not been previously curated by ICSL or reported in the Human Gene Mutation Database (HGMD: prior to June 1st, 2018), and was therefore a candidate for classification through an automated scoring system. Utilizing variant allele frequency, disease prevalence and penetrance estimates, and inheritance mode, an automated score was calculated to assess if this variant is too frequent to cause the disease. Based on the score and internal cut-off values, a variant classified as benign is not then subjected to further curation. The score for this variant resulted in a classification of benign for this disease.

Athena Diagnostics
Classification: Benign. Last evaluated: 2017-04-20. Review status: criteria provided, single submitter. Criteria: Athena Diagnostics Criteria. Collection method: clinical testing. Allele origin: germline.

GeneDx
Classification: Benign. Last evaluated: 2013-10-31. Review status: criteria provided, single submitter. Criteria: GeneDx Variant Classification (06012015). Collection method: clinical testing. Allele origin: germline. Affected: yes.
Comment: This variant is considered likely benign or benign based on one or more of the following criteria: it is a conservative change, it occurs at a poorly conserved position in the protein, it is predicted to be benign by multiple in silico algorithms, and/or has population frequency not consistent with disease.

Genetic Services Laboratory, University of Chicago
Classification: Benign. Last evaluated: 2013-02-08. Review status: criteria provided, single submitter. Criteria: ACMG Guidelines, 2007. Collection method: clinical testing. Allele origin: germline. Inheritance: Autosomal recessive inheritance.

Breakthrough Genomics
Classification: Benign. Review status: criteria provided, single submitter. Criteria: ACMG Guidelines, 2015. Collection method: not provided. Allele origin: germline. Inheritance: Autosomal recessive inheritance. Affected: yes.

PreventionGenetics, part of Exact Sciences
Classification: Benign. Review status: criteria provided, single submitter. Criteria: ACMG Guidelines, 2015. Collection method: clinical testing. Allele origin: germline.

Clinical Genetics DNA and cytogenetics Diagnostics Lab, Erasmus MC, Erasmus Medical Center
Classification: Benign. Review status: no assertion criteria provided. Collection method: clinical testing. Allele origin: germline. Affected: yes. Study: VKGL Data-share Consensus. Not counted in ClinVar's aggregate classification.

Clinical Genetics, Academic Medical Center
Classification: Benign. Review status: no assertion criteria provided. Collection method: clinical testing. Allele origin: germline. Affected: yes. Study: VKGL Data-share Consensus. Not counted in ClinVar's aggregate classification.

NM_207346.3(TSEN54):c.285+3G>A

Gene: TSEN54 (tRNA splicing endonuclease subunit 54; plus strand). Cytogenetic location: 17q25.1.
Variant type: single nucleotide variant.
Coding change: c.285+3G>A on transcript NM_207346.3 (MANE Select); 3 bases into the intron after coding-DNA position 285, G replaced by A.
Molecular consequence: intron variant.
Genome position (GRCh38, 1-based): chr17:75,517,075, G>A. VCF-style: chr17-75517075-G-A. GRCh37 (hg19) VCF-style: chr17-73513156-G-A.
Identifiers: ClinVar variation 137755 (VCV000137755.23), dbSNP rs8074291, ClinGen allele CA173728.